The following is an entry in ClinVar:

NM_001032283.3(TMPO):c.506C>G (p.Ala169Gly)

Gene: TMPO (thymopoietin; plus strand). Cytogenetic location: 12q23.1.
Variant type: single nucleotide variant.
Coding change: c.506C>G on transcript NM_001032283.3 (MANE Select); coding-DNA position 506, C replaced by G.
Protein change: p.Ala169Gly; replaces alanine 169 with glycine.
Molecular consequence: missense variant.
Genome position (GRCh38, 1-based): chr12:98,531,779, C>G. VCF-style: chr12-98531779-C-G. GRCh37 (hg19) VCF-style: chr12-98925557-C-G.
Other names: c.506C>G, p.Ala169Gly (NM_001032284.3, NM_001307975.2, NM_003276.2); short protein forms A169G.
Identifiers: ClinVar variation 2959767 (VCV002959767.3), dbSNP rs2548501793, ClinGen allele CA386151186.

ClinVar aggregate classification (germline): Uncertain significance (1 of 4 stars; one submission).

Conditions:
Loeys-Dietz syndrome 2 (LDS2). Also called: Marfan Syndrome type 2; Marfan like connective tissue disorder; MFS 2; TGFBR2-Related Loeys-Dietz Syndrome; AORTIC ANEURYSM, FAMILIAL THORACIC 3; MARFAN SYNDROME, TYPE II. Identifiers: Orphanet 284973, Orphanet 558, MedGen C2674574, MONDO:0012427, OMIM 610168.

Allele frequency attached by ClinVar (database versions not stated): gnomAD exomes below 0.00001.
gnomAD v4.1: 1 of 1,613,730 alleles (0.000062%); highest among the groups gnomAD compares: Non-Finnish European, 0.000085%; no homozygotes.

Submission:

Labcorp Genetics (formerly Invitae), Labcorp
Classification: Uncertain significance for Loeys-Dietz syndrome 2. Last evaluated: 2023-12-05. Review status: criteria provided, single submitter. Criteria: Invitae Variant Classification Sherloc (09022015). Collection method: clinical testing. Allele origin: germline.
Comment: This sequence change replaces alanine, which is neutral and non-polar, with glycine, which is neutral and non-polar, at codon 169 of the TMPO protein (p.Ala169Gly). This variant is not present in population databases (gnomAD no frequency). This variant has not been reported in the literature in individuals affected with TMPO-related conditions. An algorithm developed to predict the effect of missense changes on protein structure and function (PolyPhen-2) suggests that this variant is likely to be tolerated. In summary, the available evidence is currently insufficient to determine the role of this variant in disease. Therefore, it has been classified as a Variant of Uncertain Significance.